The following is an entry in ClinVar:

ClinVar aggregate classification (germline): Likely pathogenic (1 of 4 stars; one submission).

Conditions:
JKAMP-associated neurodevelopmental disease.

Submission:

The Shared Resource Centre "Genome", Research Centre for Medical Genetics
Classification: Likely pathogenic for JKAMP-associated neurodevelopmental disease. Last evaluated: 2026-03-02. Review status: criteria provided, single submitter. Criteria: ACMG Guidelines, 2015. Collection method: clinical testing. Allele origin: biparental. Inheritance: Autosomal recessive inheritance. Affected: yes. Observed: 1 compound heterozygote.
Comment: The variant is a null variant (stop-gain) located in exon 2/7. Loss of function is a known disease mechanism for this gene. The variant is predicted to undergo nonsense-mediated decay (NMD). Two other pathogenic null variants have been reported in ClinVar for this gene (chr14:59498909:G>T, chr14:59495225:G>C) across different exons, supporting that loss-of-function is a disease mechanism. The gnomAD observed/expected score is 0.62, indicating intolerance to loss-of-function variation. Allele frequency is extremely low in all population databases (gnomAD, 1000 Genomes, etc.) - 0. This variant was observed in trans with variant NM_016475.5: c.139C>T, p.(Gln47Ter), confirming a compound heterozygous state.

Literature cited by the submitters: PubMed 28726809.

NM_016475.5(JKAMP):c.56T>G (p.Leu19Ter)

Genes: JKAMP (JNK1/MAPK8 associated membrane protein; plus strand), L3HYPDH (trans-L-3-hydroxyproline dehydratase; minus strand). Cytogenetic location: 14q23.1.
Variant type: single nucleotide variant.
Coding change: c.56T>G on transcript NM_016475.5 (MANE Select); coding-DNA position 56, T replaced by G.
Protein change: p.Leu19Ter; replaces leucine 19 with a stop codon.
Molecular consequence: nonsense. On other transcripts: 5 prime UTR variant (1).
Genome position (GRCh38, 1-based): chr14:59,486,764, T>G. VCF-style: chr14-59486764-T-G. GRCh37 (hg19) VCF-style: chr14-59953482-T-G.
Other names: c.38T>G, p.Leu13Ter (NM_001098625.3); c.98T>G, p.Leu33Ter (NM_001284201.2); c.80T>G, p.Leu27Ter (NM_001284202.2); c.-134T>G (NM_001284203.2); c.56T>G, p.Leu19Ter (NM_001284204.2); short protein forms L13*, L19*, L27*, L33*.
Identifiers: ClinVar variation 4813081 (VCV004813081.1).